The following is an entry in ClinVar:

NC_000022.10:g.(?_51017610)_(51021210_?)del

Gene: CHKB (choline kinase beta; minus strand). Cytogenetic location: 22q13.33.
Variant type: Deletion.
Identifiers: ClinVar variation 2425317 (VCV002425317.3).

ClinVar aggregate classification (germline): Pathogenic (1 of 4 stars; one submission).

Conditions:
Megaconial type congenital muscular dystrophy (MDCMC). Also called: MUSCULAR DYSTROPHY, CONGENITAL, WITH MITOCHONDRIAL STRUCTURAL ABNORMALITIES; CHKB-Related Muscular Dystrophy; CHKB-Related Muscle Diseases. Identifiers: Orphanet 280671, MedGen C1865233, MONDO:0011246, OMIM 602541.

Submission:

Labcorp Genetics (formerly Invitae), Labcorp
Classification: Pathogenic for Megaconial type congenital muscular dystrophy. Last evaluated: 2022-08-26. Review status: criteria provided, single submitter. Criteria: Invitae Variant Classification Sherloc (09022015). Collection method: clinical testing. Allele origin: germline.
Comment: A gross deletion of the genomic region encompassing the full coding sequence of the CHKB gene has been identified. Loss-of-function variants in CHKB are known to be pathogenic (PMID: 21665002). The boundaries of this event are unknown as they extend beyond the assayed region for this gene and therefore may encompass additional genes. This variant has not been reported in the literature in individuals affected with CHKB-related conditions. For these reasons, this variant has been classified as Pathogenic.

Literature cited by the submitters: PubMed 21665002.